The following is an entry in ClinVar:

NM_021072.4(HCN1):c.1093G>A (p.Ala365Thr)

Gene: HCN1 (hyperpolarization activated cyclic nucleotide gated potassium channel 1; minus strand). Cytogenetic location: 5p12.
Variant type: single nucleotide variant.
Coding change: c.1093G>A on transcript NM_021072.4 (MANE Select); coding-DNA position 1093, G replaced by A.
Protein change: p.Ala365Thr; replaces alanine 365 with threonine.
Molecular consequence: missense variant.
Genome position (GRCh38, 1-based): chr5:45,396,629, C>T on the plus strand (G>A on the coding strand, the complement: HCN1 is on the minus strand). VCF-style: chr5-45396629-C-T. GRCh37 (hg19) VCF-style: chr5-45396731-C-T.
Other names: short protein forms A365T.
Identifiers: ClinVar variation 4879282 (VCV004879282.1).

ClinVar aggregate classification (germline): Uncertain significance (1 of 4 stars; one submission).

Conditions:
Generalized epilepsy with febrile seizures plus, type 10. Also called: GEFS+, TYPE 10. Identifiers: MedGen C5193120, MONDO:0032777, OMIM 618482.
Developmental and epileptic encephalopathy, 24 (DEE24). Also called: Epileptic encephalopathy, early infantile, 24. Identifiers: Orphanet 442835, MedGen C4014531, MONDO:0014377, OMIM 615871.

Submission:

Clinical Genomics Laboratory, Washington University in St. Louis
Classification: Uncertain significance for Developmental and epileptic encephalopathy, 24; Generalized epilepsy with febrile seizures plus, type 10. Last evaluated: 2026-05-02. Review status: criteria provided, single submitter. Criteria: ACMG Guidelines, 2015. Collection method: clinical testing. Allele origin: germline.
Comment: The HCN1 c.1093G>A (p.Ala365Thr) variant, to our knowledge, has not been reported in the medical literature. This variant is absent from the general population (gnomAD v2.1.1), indicating it is not a common variant. Computational predictors indicate that the variant is damaging, evidence that correlates with impact to HCN1 function. Due to limited information, and based on ACMG/AMP guidelines for variant interpretation (Richards S et al., PMID: 25741868), the clinical significance of this variant is uncertain at this time.